The following is an entry in ClinVar:

NM_001011551.3(C1GALT1C1):c.302G>A (p.Ser101Asn)

Gene: C1GALT1C1 (C1GALT1 specific chaperone 1; minus strand). Cytogenetic location: Xq24.
Variant type: single nucleotide variant.
Coding change: c.302G>A on transcript NM_001011551.3 (MANE Select); coding-DNA position 302, G replaced by A.
Protein change: p.Ser101Asn; replaces serine 101 with asparagine.
Molecular consequence: missense variant.
Genome position (GRCh38, 1-based): chrX:120,626,865, C>T on the plus strand (G>A on the coding strand, the complement: C1GALT1C1 is on the minus strand). VCF-style: chrX-120626865-C-T. GRCh37 (hg19) VCF-style: chrX-119760720-C-T.
Other names: c.302G>A, p.Ser101Asn (NM_152692.5); short protein forms S101N.
Identifiers: ClinVar variation 791741 (VCV000791741.14), dbSNP rs149340486, ClinGen allele CA10505975.

ClinVar aggregate classification (germline): Benign. Review status: criteria provided, multiple submitters, no conflicts (2 of 4 stars). 3 submissions from 3 submitters: Benign (2). 1 of the submissions does not count toward it. Last evaluated 2025-12-25.

Conditions:
Polyagglutinable erythrocyte syndrome (TNPS). Also called: GALACTOSYLTRANSFERASE DEFICIENCY; TN POLYAGGLUTINATION SYNDROME, SOMATIC; TN POLYAGGLUTINATION SYNDROME. Identifiers: MedGen C0272137, MONDO:0010381, OMIM 300622.
C1GALT1C1-related disorder. Also called: C1GALT1C1-related condition.

Allele frequency attached by ClinVar (database versions not stated): 1000 Genomes Project 0.00238; 1000 Genomes Project 30x 0.00312; ExAC 0.00411; gnomAD 0.00459 and 0.00482; TOPMed 0.00484; ESP Exome Variant Server 0.00568.
gnomAD v4.1: 8,937 of 1,209,810 alleles (0.74%); highest among the groups gnomAD compares: Non-Finnish European, 0.93%; 31 homozygotes.

Submissions (3):

Labcorp Genetics (formerly Invitae), Labcorp
Classification: Benign for Polyagglutinable erythrocyte syndrome. Last evaluated: 2025-12-25. Review status: criteria provided, single submitter. Criteria: Invitae Variant Classification Sherloc (09022015). Collection method: clinical testing. Allele origin: germline.

Breakthrough Genomics
Classification: Benign. Review status: criteria provided, single submitter. Criteria: ACMG Guidelines, 2015. Collection method: not provided. Allele origin: germline. Inheritance: Unknown mechanism. Affected: yes.

PreventionGenetics, part of Exact Sciences
Classification: Benign for C1GALT1C1-related condition. Last evaluated: 2019-08-07. Review status: no assertion criteria provided. Collection method: clinical testing. Allele origin: germline. Not counted in ClinVar's aggregate classification.
Comment: This variant is classified as benign based on ACMG/AMP sequence variant interpretation guidelines (Richards et al. 2015 PMID: 25741868, with internal and published modifications).